The following is an entry in ClinVar:

ClinVar aggregate classification (germline): Uncertain significance (1 of 4 stars; one submission).

Conditions:
Periodic fever-infantile enterocolitis-autoinflammatory syndrome. Also called: Autoinflammation with infantile enterocolitis. Identifiers: Orphanet 436166, MedGen C4015067, MONDO:0014472, OMIM 616050.
Familial cold autoinflammatory syndrome 4 (FCAS4). Identifiers: Orphanet 47045, Orphanet 576349, MedGen C4015276, MONDO:0014498, OMIM 616115.

Allele frequency attached by ClinVar (database versions not stated): TOPMed below 0.00001; ExAC 0.00001; gnomAD 0.00001; gnomAD exomes 0.00002 and below 0.00001; ESP Exome Variant Server 0.00008.
gnomAD v4.1: 28 of 1,614,050 alleles (0.0017%); highest among the groups gnomAD compares: Non-Finnish European, 0.0024%; no homozygotes.

Submission:

Labcorp Genetics (formerly Invitae), Labcorp
Classification: Uncertain significance for Periodic fever-infantile enterocolitis-autoinflammatory syndrome; Familial cold autoinflammatory syndrome 4. Last evaluated: 2025-05-14. Review status: criteria provided, single submitter. Criteria: Invitae Variant Classification Sherloc (09022015). Collection method: clinical testing. Allele origin: germline.
Comment: This sequence change replaces alanine, which is neutral and non-polar, with valine, which is neutral and non-polar, at codon 524 of the NLRC4 protein (p.Ala524Val). This variant is present in population databases (rs377414343, gnomAD 0.0009%). This variant has not been reported in the literature in individuals affected with NLRC4-related conditions. ClinVar contains an entry for this variant (Variation ID: 646853). Invitae Evidence Modeling of protein sequence and biophysical properties (such as structural, functional, and spatial information, amino acid conservation, physicochemical variation, residue mobility, and thermodynamic stability) indicates that this missense variant is not expected to disrupt NLRC4 protein function with a negative predictive value of 80%. In summary, the available evidence is currently insufficient to determine the role of this variant in disease. Therefore, it has been classified as a Variant of Uncertain Significance.

NM_001199138.2(NLRC4):c.1571C>T (p.Ala524Val)

Gene: NLRC4 (NLR family CARD domain containing 4; minus strand). Cytogenetic location: 2p22.3.
Variant type: single nucleotide variant.
Coding change: c.1571C>T on transcript NM_001199138.2 (MANE Select); coding-DNA position 1571, C replaced by T.
Protein change: p.Ala524Val; replaces alanine 524 with valine.
Molecular consequence: missense variant. On other transcripts: intron variant (1).
Genome position (GRCh38, 1-based): chr2:32,250,293, G>A on the plus strand (C>T on the coding strand, the complement: NLRC4 is on the minus strand). VCF-style: chr2-32250293-G-A. GRCh37 (hg19) VCF-style: chr2-32475362-G-A.
Other names: c.1571C>T, p.Ala524Val (NM_001199139.2, NM_021209.5); c.262+2126C>T (NM_001302504.1); short protein forms A524V.
Identifiers: ClinVar variation 646853 (VCV000646853.8), dbSNP rs377414343, ClinGen allele CA1601963.
Genomic context (GRCh38, chr2:32,250,293, plus strand): 5'-TCTTGCTCAGTGGTGTTTTTCACACTTTGCAAAGATTCCTGTCTCCAGAGAGGCCTCTTG[G>A]CGATGGAAAGTCCGAGAAGGCAGCCGTGTTGATACACTGCTGCGAGGTGCTTCATAACAG-3'
Protein context (NP_001186067.1, residues 514-534): QHGCLLGLSI[Ala524Val]KRPLWRQESL